The following is an entry in ClinVar:

NM_001018115.3(FANCD2):c.461T>C (p.Phe154Ser)

Genes: FANCD2 (FA complementation group D2; plus strand), LOC107303338 (3p25 FANCD2 Alu-mediated recombination region; plus strand). Cytogenetic location: 3p25.3.
Variant type: single nucleotide variant.
Coding change: c.461T>C on transcript NM_001018115.3 (MANE Select); coding-DNA position 461, T replaced by C.
Protein change: p.Phe154Ser; replaces phenylalanine 154 with serine.
Molecular consequence: missense variant.
Genome position (GRCh38, 1-based): chr3:10,036,309, T>C. VCF-style: chr3-10036309-T-C. GRCh37 (hg19) VCF-style: chr3-10077993-T-C.
Other names: c.461T>C, p.Phe154Ser (NM_001319984.2, NM_001374253.1, NM_001374254.1 and 2 more transcripts); short protein forms F154S.
Identifiers: ClinVar variation 955564 (VCV000955564.10), dbSNP rs200668378, ClinGen allele CA2249228.

ClinVar aggregate classification (germline): Uncertain significance. Review status: criteria provided, multiple submitters, no conflicts (2 of 4 stars). 2 submissions from 2 submitters: Uncertain significance (2). Last evaluated 2025-08-23.

Conditions:
Inborn genetic diseases. Identifiers: MedGen C0950123, MeSH D030342.
Fanconi anemia (FA). Also called: Fanconi's anemia. Identifiers: Orphanet 84, MedGen C0015625, MeSH D005199, MONDO:0019391.

Allele frequency attached by ClinVar (database versions not stated): gnomAD 0.00001; gnomAD exomes 0.00001 and 0.00002; TOPMed 0.00001; ExAC 0.00002; 1000 Genomes Project 30x 0.00016; 1000 Genomes Project 0.00020.
gnomAD v4.1: 32 of 1,613,108 alleles (0.002%); highest among the groups gnomAD compares: Non-Finnish European, 0.0025%; no homozygotes.

Submissions (2):

Ambry Genetics
Classification: Uncertain significance for Inborn genetic diseases. Last evaluated: 2025-08-23. Review status: criteria provided, single submitter. Criteria: Ambry Variant Classification Scheme 2023. Collection method: clinical testing. Allele origin: germline.

Labcorp Genetics (formerly Invitae), Labcorp
Classification: Uncertain significance for Fanconi anemia. Last evaluated: 2024-10-16. Review status: criteria provided, single submitter. Criteria: Invitae Variant Classification Sherloc (09022015). Collection method: clinical testing. Allele origin: germline.
Comment: This sequence change replaces phenylalanine, which is neutral and non-polar, with serine, which is neutral and polar, at codon 154 of the FANCD2 protein (p.Phe154Ser). This variant is present in population databases (rs200668378, gnomAD 0.002%). This variant has not been reported in the literature in individuals affected with FANCD2-related conditions. ClinVar contains an entry for this variant (Variation ID: 955564). Invitae Evidence Modeling of protein sequence and biophysical properties (such as structural, functional, and spatial information, amino acid conservation, physicochemical variation, residue mobility, and thermodynamic stability) indicates that this missense variant is expected to disrupt FANCD2 protein function with a positive predictive value of 80%. In summary, the available evidence is currently insufficient to determine the role of this variant in disease. Therefore, it has been classified as a Variant of Uncertain Significance.